The following is an entry in ClinVar:

ClinVar aggregate classification (germline): Uncertain significance (1 of 4 stars; one submission).

Conditions:
Gingival disorder. Also called: Gingival disease. Identifiers: MedGen C0017563, MONDO:0002021.

Submission:

Labcorp Genetics (formerly Invitae), Labcorp
Classification: Uncertain significance for Gingival disorder. Last evaluated: 2025-07-23. Review status: criteria provided, single submitter. Criteria: Invitae Variant Classification Sherloc (09022015). Collection method: clinical testing. Allele origin: germline.
Comment: This sequence change creates a premature translational stop signal (p.Tyr64*) in the FPR1 gene. While this is not anticipated to result in nonsense mediated decay, it is expected to disrupt the last 287 amino acid(s) of the FPR1 protein. This variant is not present in population databases (gnomAD no frequency). This variant has not been reported in the literature in individuals affected with FPR1-related conditions. Experimental studies and prediction algorithms are not available or were not evaluated, and the functional significance of this variant is currently unknown. In summary, the available evidence is currently insufficient to determine the role of this variant in disease. Therefore, it has been classified as a Variant of Uncertain Significance.

NM_002029.4(FPR1):c.192C>A (p.Tyr64Ter)

Gene: FPR1 (formyl peptide receptor 1; minus strand). Cytogenetic location: 19q13.41.
Variant type: single nucleotide variant.
Coding change: c.192C>A on transcript NM_002029.4 (MANE Select); coding-DNA position 192, C replaced by A.
Protein change: p.Tyr64Ter; replaces tyrosine 64 with a stop codon.
Molecular consequence: nonsense.
Genome position (GRCh38, 1-based): chr19:51,746,803, G>T on the plus strand (C>A on the coding strand, the complement: FPR1 is on the minus strand). VCF-style: chr19-51746803-G-T. GRCh37 (hg19) VCF-style: chr19-52250056-G-T.
Other names: c.192C>A, p.Tyr64Ter (NM_001193306.2); short protein forms Y64*.
Identifiers: ClinVar variation 4799401 (VCV004799401.1).